The following is an entry in ClinVar:

ClinVar aggregate classification (germline): Benign/Likely benign. Review status: criteria provided, multiple submitters, no conflicts (2 of 4 stars). 4 submissions from 4 submitters: Benign (1); Likely benign (2). 1 of the submissions does not count toward it. Last evaluated 2026-06-01.

Conditions:
TOP2B-related disorder. Also called: TOP2B-related condition.

Submissions (4):

CeGaT Center for Human Genetics Tuebingen
Classification: Likely benign. Last evaluated: 2026-06-01. Review status: criteria provided, single submitter. Criteria: CeGaT Center For Human Genetics Tuebingen Variant Classification Criteria Version 2. Collection method: clinical testing. Allele origin: germline. Affected: yes. Observed: 1 variant allele.
Comment: TOP2B: BP4, BS1

Labcorp Genetics (formerly Invitae), Labcorp
Classification: Benign. Last evaluated: 2026-01-05. Review status: criteria provided, single submitter. Criteria: Invitae Variant Classification Sherloc (09022015). Collection method: clinical testing. Allele origin: germline.

Blueprint Genetics
Classification: Likely benign. Last evaluated: 2024-09-23. Review status: criteria provided, single submitter. Criteria: ACMG Guidelines, 2015. Collection method: clinical testing. Allele origin: germline.

PreventionGenetics, part of Exact Sciences
Classification: Likely benign for TOP2B-related condition. Last evaluated: 2023-10-18. Review status: no assertion criteria provided. Collection method: clinical testing. Allele origin: germline. Not counted in ClinVar's aggregate classification.
Comment: This variant is classified as likely benign based on ACMG/AMP sequence variant interpretation guidelines (Richards et al. 2015 PMID: 25741868, with internal and published modifications).

NM_001330700.2(TOP2B):c.396-9_396-5del

Gene: TOP2B (DNA topoisomerase II beta; minus strand). Cytogenetic location: 3p24.2.
Variant type: Deletion.
Coding change: c.396-9_396-5del on transcript NM_001330700.2 (MANE Select); 9 bases into the intron before coding-DNA position 396 through 5 bases into the intron before coding-DNA position 396, 5 bases deleted (TTTTT; older notation c.396-9_396-5delTTTTT).
Molecular consequence: intron variant.
Genome position (GRCh38, 1-based): chr3:25,638,315-25,638,319, AAAAA deleted on the plus strand (TTTTT on the coding strand, the reverse complement: TOP2B is on the minus strand); deleting any 5 consecutive bases within chr3:25,638,315-25,638,352 gives the same sequence; the c. name uses the placement nearest the transcript's 3' end. VCF-style (leftmost placement, unchanged base first): chr3-25638314-TAAAAA-T. GRCh37 (hg19) VCF-style: chr3-25679805-TAAAAA-T.
Other names: c.381-9_381-5del (NM_001068.3); c.396-9_396-5del5 (NM_001330700.1).
Identifiers: ClinVar variation 1663054 (VCV001663054.13), dbSNP rs56986587, ClinGen allele CA905648735.